The following is an entry in ClinVar:

NM_002335.4(LRP5):c.3148G>A (p.Val1050Ile)

Gene: LRP5 (LDL receptor related protein 5; plus strand). Cytogenetic location: 11q13.2.
Variant type: single nucleotide variant.
Coding change: c.3148G>A on transcript NM_002335.4 (MANE Select); coding-DNA position 3148, G replaced by A.
Protein change: p.Val1050Ile; replaces valine 1050 with isoleucine.
Molecular consequence: missense variant.
Genome position (GRCh38, 1-based): chr11:68,423,609, G>A. VCF-style: chr11-68423609-G-A. GRCh37 (hg19) VCF-style: chr11-68191077-G-A.
Other names: c.3148G>A (NM_002335.2); c.1405G>A, p.Val469Ile (NM_001291902.2); short protein forms V469I, V1050I.
Identifiers: ClinVar variation 848647 (VCV000848647.15), dbSNP rs577519439, ClinGen allele CA6149860.
Genomic context (GRCh38, chr11:68,423,609, plus strand): 5'-AGCATCGACATCTACAGCCGGACACTGTTCTGGACGTGCGAGGCCACCAATACCATCAAC[G>A]TCCACAGGCTGAGCGGGGAAGCCATGGGGGTGGTGCTGCGTGGGGACCGCGACAAGCCCA-3'
Protein context (NP_002326.2, residues 1040-1060): WTCEATNTIN[Val1050Ile]HRLSGEAMGV

ClinVar aggregate classification (germline): Uncertain significance. Review status: criteria provided, multiple submitters, no conflicts (2 of 4 stars). 6 submissions from 6 submitters: Uncertain significance (6). Last evaluated 2026-04-14.

Conditions:
Inborn genetic diseases. Identifiers: MedGen C0950123, MeSH D030342.
Polycystic liver disease 4 with or without kidney cysts. Identifiers: MedGen C4693479, MONDO:0044327, OMIM 617875.
Osteoporosis with pseudoglioma (OPPG). Also called: osteoporosis-pseudoglioma syndrome. Identifiers: Orphanet 2788, MedGen C0432252, MONDO:0009820, OMIM 259770.
Exudative vitreoretinopathy 4 (EVR4). Identifiers: Orphanet 891, MedGen C1866176, MONDO:0011151, OMIM 601813.
Autosomal dominant osteopetrosis 1 (OPTA1). Also called: OSTEOPETROSIS, AUTOSOMAL DOMINANT, TYPE I. Identifiers: Orphanet 2783, MedGen C1843330, MONDO:0011877, OMIM 607634.
Worth disease. Also called: ENDOSTEAL HYPEROSTOSIS, AUTOSOMAL DOMINANT; OSTEOSCLEROSIS, AUTOSOMAL DOMINANT; Autosomal dominant osteosclerosis, Worth type. Identifiers: Orphanet 2790, MedGen C0432273, MONDO:0007764, OMIM 144750.
Bone mineral density quantitative trait locus 1 (BMND1). Identifiers: MedGen C1866079, OMIM 601884.
LRP5-related disorder. Also called: LRP5-related condition.

Allele frequency attached by ClinVar (database versions not stated): gnomAD 0.00001 and 0.00004; TOPMed 0.00005; gnomAD exomes 0.00002 and 0.00005; ExAC 0.00007; 1000 Genomes Project 0.00060; 1000 Genomes Project 30x 0.00062.
gnomAD v4.1: 37 of 1,614,192 alleles (0.0023%); highest among the groups gnomAD compares: Admixed American, 0.03%; no homozygotes.

Submissions (6):

PreventionGenetics, part of Exact Sciences
Classification: Uncertain significance for LRP5-related condition. Last evaluated: 2026-04-14. Review status: criteria provided, single submitter. Criteria: ACMG Guidelines, 2015. Collection method: clinical testing. Allele origin: germline.
Comment: The LRP5 c.3148G>A variant is predicted to result in the amino acid substitution p.Val1050Ile. To our knowledge, this variant has not been reported in the literature. This variant is reported in 0.016% of alleles in individuals of South Asian descent in gnomAD. At this time, the clinical significance of this variant is uncertain due to the absence of conclusive functional and genetic evidence.

Labcorp Genetics (formerly Invitae), Labcorp
Classification: Uncertain significance. Last evaluated: 2025-12-18. Review status: criteria provided, single submitter. Criteria: Invitae Variant Classification Sherloc (09022015). Collection method: clinical testing. Allele origin: germline.
Comment: This sequence change replaces valine, which is neutral and non-polar, with isoleucine, which is neutral and non-polar, at codon 1050 of the LRP5 protein (p.Val1050Ile). This variant is present in population databases (rs577519439, gnomAD 0.02%). This variant has not been reported in the literature in individuals affected with LRP5-related conditions. ClinVar contains an entry for this variant (Variation ID: 848647). Invitae Evidence Modeling of protein sequence and biophysical properties (such as structural, functional, and spatial information, amino acid conservation, physicochemical variation, residue mobility, and thermodynamic stability) indicates that this missense variant is not expected to disrupt LRP5 protein function with a negative predictive value of 95%. In summary, the available evidence is currently insufficient to determine the role of this variant in disease. Therefore, it has been classified as a Variant of Uncertain Significance.

Ambry Genetics
Classification: Uncertain significance for Inborn genetic diseases. Last evaluated: 2025-08-29. Review status: criteria provided, single submitter. Criteria: Ambry Variant Classification Scheme 2023. Collection method: clinical testing. Allele origin: germline.

Blueprint Genetics
Classification: Uncertain significance. Last evaluated: 2024-07-16. Review status: criteria provided, single submitter. Criteria: ACMG Guidelines, 2015. Collection method: clinical testing. Allele origin: germline.

Fulgent Genetics
Classification: Uncertain significance for Worth disease; Osteoporosis with pseudoglioma; Exudative vitreoretinopathy 4; Bone mineral density quantitative trait locus 1; Autosomal dominant osteopetrosis 1; Polycystic liver disease 4 with or without kidney cysts. Last evaluated: 2023-12-29. Review status: criteria provided, single submitter. Criteria: ACMG Guidelines, 2015. Collection method: clinical testing. Allele origin: germline.

Breakthrough Genomics
Classification: Uncertain significance. Review status: criteria provided, single submitter. Criteria: ACMG Guidelines, 2015. Collection method: not provided. Allele origin: germline. Inheritance: Autosomal recessive inheritance. Affected: yes.